The following is an entry in ClinVar:

ClinVar aggregate classification (germline): Uncertain significance. Review status: criteria provided, multiple submitters, no conflicts (2 of 4 stars). 3 submissions from 3 submitters: Uncertain significance (3). Last evaluated 2026-01-15.

Conditions:
Hereditary cancer-predisposing syndrome. Also called: Neoplastic Syndromes, Hereditary; Hereditary Cancer Syndrome; Hereditary neoplastic syndrome; Tumor predisposition. Identifiers: Orphanet 140162, MedGen C0027672, MeSH D009386, MONDO:0015356.
Neuroblastoma, susceptibility to, 3. Also called: ALK-Related Neuroblastic Tumor Susceptibility. Identifiers: Orphanet 635, MedGen C2751681, MONDO:0013083, OMIM 613014.

Allele frequency attached by ClinVar (database versions not stated): gnomAD exomes below 0.00001; gnomAD 0.00001 and 0.00002; TOPMed 0.00002.
gnomAD v4.1: 9 of 1,614,058 alleles (0.00056%); highest among the groups gnomAD compares: Middle Eastern, 0.016%; no homozygotes.

Submissions (3):

Labcorp Genetics (formerly Invitae), Labcorp
Classification: Uncertain significance for Neuroblastoma, susceptibility to, 3. Last evaluated: 2026-01-15. Review status: criteria provided, single submitter. Criteria: Invitae Variant Classification Sherloc (09022015). Collection method: clinical testing. Allele origin: germline.
Comment: This sequence change replaces proline, which is neutral and non-polar, with leucine, which is neutral and non-polar, at codon 1112 of the ALK protein (p.Pro1112Leu). This variant is not present in population databases (gnomAD no frequency). This variant has not been reported in the literature in individuals affected with ALK-related conditions. ClinVar contains an entry for this variant (Variation ID: 823621). An algorithm developed to predict the effect of missense changes on protein structure and function (PolyPhen-2) suggests that this variant is likely to be disruptive. In summary, the available evidence is currently insufficient to determine the role of this variant in disease. Therefore, it has been classified as a Variant of Uncertain Significance.

Baylor Genetics
Classification: Uncertain significance for Neuroblastoma, susceptibility to, 3. Last evaluated: 2024-03-10. Review status: criteria provided, single submitter. Criteria: ACMG Guidelines, 2015. Collection method: clinical testing. Allele origin: unknown.

Ambry Genetics
Classification: Uncertain significance for Hereditary cancer-predisposing syndrome. Last evaluated: 2024-02-18. Review status: criteria provided, single submitter. Criteria: Ambry Variant Classification Scheme 2023. Collection method: clinical testing. Allele origin: germline.
Comment: The p.P1112L variant (also known as c.3335C>T), located in coding exon 20 of the ALK gene, results from a C to T substitution at nucleotide position 3335. The proline at codon 1112 is replaced by leucine, an amino acid with similar properties. This amino acid position is highly conserved in available vertebrate species. In addition, this alteration is predicted to be deleterious by in silico analysis. Since supporting evidence is limited at this time, the clinical significance of this alteration remains unclear.

NM_004304.5(ALK):c.3335C>T (p.Pro1112Leu)

Gene: ALK (ALK receptor tyrosine kinase; minus strand). Cytogenetic location: 2p23.2.
Variant type: single nucleotide variant.
Coding change: c.3335C>T on transcript NM_004304.5 (MANE Select); coding-DNA position 3335, C replaced by T.
Protein change: p.Pro1112Leu; replaces proline 1112 with leucine.
Molecular consequence: missense variant.
Genome position (GRCh38, 1-based): chr2:29,223,366, G>A on the plus strand (C>T on the coding strand, the complement: ALK is on the minus strand). VCF-style: chr2-29223366-G-A. GRCh37 (hg19) VCF-style: chr2-29446232-G-A.
Other names: c.131C>T, p.Pro44Leu (NM_001353765.2); short protein forms P44L, P1112L.
Identifiers: ClinVar variation 823621 (VCV000823621.13), dbSNP rs1319794557, ClinGen allele CA346464679.